The following is an entry in ClinVar:

ClinVar aggregate classification (germline): Uncertain significance. Review status: criteria provided, multiple submitters, no conflicts (2 of 4 stars). 2 submissions from 2 submitters: Uncertain significance (2). Last evaluated 2023-08-08.

Conditions:
Inborn genetic diseases. Identifiers: MedGen C0950123, MeSH D030342.

Allele frequency attached by ClinVar (database versions not stated): ExAC 0.00001.
gnomAD v4.1: 12 of 1,613,882 alleles (0.00074%); highest among the groups gnomAD compares: East Asian, 0.0045%; no homozygotes.

Submissions (2):

Ambry Genetics
Classification: Uncertain significance for Inborn genetic diseases. Last evaluated: 2023-08-08. Review status: criteria provided, single submitter. Criteria: Ambry Variant Classification Scheme 2023. Collection method: clinical testing. Allele origin: germline.

Labcorp Genetics (formerly Invitae), Labcorp
Classification: Uncertain significance. Last evaluated: 2023-04-24. Review status: criteria provided, single submitter. Criteria: Invitae Variant Classification Sherloc (09022015). Collection method: clinical testing. Allele origin: germline.
Comment: In summary, the available evidence is currently insufficient to determine the role of this variant in disease. Therefore, it has been classified as a Variant of Uncertain Significance. An algorithm developed to predict the effect of missense changes on protein structure and function (PolyPhen-2) suggests that this variant is likely to be tolerated. This variant has not been reported in the literature in individuals affected with HERC1-related conditions. The frequency data for this variant in the population databases is considered unreliable, as metrics indicate poor data quality at this position in the gnomAD database. This sequence change replaces alanine, which is neutral and non-polar, with threonine, which is neutral and polar, at codon 2289 of the HERC1 protein (p.Ala2289Thr).

NM_003922.4(HERC1):c.6865G>A (p.Ala2289Thr)

Gene: HERC1 (HECT and RLD domain containing E3 ubiquitin protein ligase family member 1; minus strand). Cytogenetic location: 15q22.31.
Variant type: single nucleotide variant.
Coding change: c.6865G>A on transcript NM_003922.4 (MANE Select); coding-DNA position 6865, G replaced by A.
Protein change: p.Ala2289Thr; replaces alanine 2289 with threonine.
Molecular consequence: missense variant.
Genome position (GRCh38, 1-based): chr15:63,678,050, C>T on the plus strand (G>A on the coding strand, the complement: HERC1 is on the minus strand). VCF-style: chr15-63678050-C-T. GRCh37 (hg19) VCF-style: chr15-63970249-C-T.
Other names: short protein forms A2289T.
Identifiers: ClinVar variation 2593611 (VCV002593611.5), dbSNP rs376481932, ClinGen allele CA7605264.